The following is an entry in ClinVar:

ClinVar aggregate classification (germline): Uncertain significance (1 of 4 stars; one submission).

Submission:

Labcorp Genetics (formerly Invitae), Labcorp
Classification: Uncertain significance. Last evaluated: 2024-06-28. Review status: criteria provided, single submitter. Criteria: Invitae Variant Classification Sherloc (09022015). Collection method: clinical testing. Allele origin: germline.
Comment: This sequence change replaces valine, which is neutral and non-polar, with glutamic acid, which is acidic and polar, at codon 1170 of the TRAPPC9 protein (p.Val1170Glu). This variant is not present in population databases (gnomAD no frequency). This variant has not been reported in the literature in individuals affected with TRAPPC9-related conditions. An algorithm developed to predict the effect of missense changes on protein structure and function (PolyPhen-2) suggests that this variant is likely to be tolerated. In summary, the available evidence is currently insufficient to determine the role of this variant in disease. Therefore, it has been classified as a Variant of Uncertain Significance.

NM_001160372.4(TRAPPC9):c.3215T>A (p.Val1072Glu)

Gene: TRAPPC9 (trafficking protein particle complex subunit 9; minus strand). Cytogenetic location: 8q24.3.
Variant type: single nucleotide variant.
Coding change: c.3215T>A on transcript NM_001160372.4 (MANE Select); coding-DNA position 3215, T replaced by A.
Protein change: p.Val1072Glu; replaces valine 1072 with glutamic acid.
Molecular consequence: missense variant. On other transcripts: non-coding transcript variant (1).
Genome position (GRCh38, 1-based): chr8:139,732,043, A>T on the plus strand (T>A on the coding strand, the complement: TRAPPC9 is on the minus strand). VCF-style: chr8-139732043-A-T. GRCh37 (hg19) VCF-style: chr8-140744286-A-T.
Other names: c.3188T>A, p.Val1063Glu (NM_001321646.2); c.3236T>A, p.Val1079Glu (NM_001374682.1); c.3104T>A, p.Val1035Glu (NM_001374683.1); c.3071T>A, p.Val1024Glu (NM_001374684.1); c.3215T>A, p.Val1072Glu (NM_031466.8); short protein forms V1072E, V1024E, V1063E, V1079E, V1035E.
Identifiers: ClinVar variation 3693115 (VCV003693115.2).